The following is an entry in ClinVar:

ClinVar aggregate classification (germline): Uncertain significance (0 of 4 stars; one submission).

Conditions:
DPP6-related disorder. Also called: DPP6-related condition.

Submission:

PreventionGenetics, part of Exact Sciences
Classification: Uncertain significance for DPP6-related condition. Last evaluated: 2024-08-19. Review status: no assertion criteria provided. Collection method: clinical testing. Allele origin: germline.
Comment: The DPP6 c.229G>A variant is predicted to result in the amino acid substitution p.Glu77Lys. To our knowledge, this variant has not been reported in the literature or in a large population database, indicating this variant is rare. At this time, the clinical significance of this variant is uncertain due to the absence of conclusive functional and genetic evidence.

NM_130797.4(DPP6):c.415G>A (p.Glu139Lys)

Gene: DPP6 (dipeptidyl peptidase like 6; plus strand). Cytogenetic location: 7q36.2.
Variant type: single nucleotide variant.
Coding change: c.415G>A on transcript NM_130797.4 (MANE Select); coding-DNA position 415, G replaced by A.
Protein change: p.Glu139Lys; replaces glutamic acid 139 with lysine.
Molecular consequence: missense variant. On other transcripts: non-coding transcript variant (2).
Genome position (GRCh38, 1-based): chr7:154,474,995, G>A. VCF-style: chr7-154474995-G-A. GRCh37 (hg19) VCF-style: chr7-154172080-G-A.
Other names: c.223G>A, p.Glu75Lys (NM_001039350.3, NM_001364501.2); c.229G>A, p.Glu77Lys (NM_001290252.2, NM_001364502.2, NM_001936.5); c.415G>A, p.Glu139Lys (NM_001290253.2); c.232G>A, p.Glu78Lys (NM_001364497.2, NM_001364498.2, NM_001364499.2 and 1 more transcripts); short protein forms E139K, E75K, E77K, E78K.
Identifiers: ClinVar variation 3347604 (VCV003347604.1).